The following is an entry in ClinVar:

NM_138387.4(G6PC3):c.908C>A (p.Pro303His)

Gene: G6PC3 (glucose-6-phosphatase catalytic subunit 3; plus strand). Cytogenetic location: 17q21.31.
Variant type: single nucleotide variant.
Coding change: c.908C>A on transcript NM_138387.4 (MANE Select); coding-DNA position 908, C replaced by A.
Protein change: p.Pro303His; replaces proline 303 with histidine.
Molecular consequence: missense variant. On other transcripts: 3 prime UTR variant (1).
Genome position (GRCh38, 1-based): chr17:44,075,910, C>A. VCF-style: chr17-44075910-C-A. GRCh37 (hg19) VCF-style: chr17-42153278-C-A.
Other names: c.*201C>A (NM_001319945.2); c.563C>A, p.Pro188His (NM_001384165.1, NM_001384166.1, NM_001384167.1 and 1 more transcripts); short protein forms P303H, P188H.
Identifiers: ClinVar variation 851336 (VCV000851336.9), dbSNP rs776556492, ClinGen allele CA8596177.

ClinVar aggregate classification (germline): Uncertain significance (1 of 4 stars; one submission).

Conditions:
Autosomal recessive severe congenital neutropenia due to G6PC3 deficiency. Also called: NEUTROPENIA, SEVERE CONGENITAL, 4, AUTOSOMAL RECESSIVE; G6PC3 Deficiency. Identifiers: Orphanet 331176, MedGen C2751630, MONDO:0012930, OMIM 612541.

Submission:

Labcorp Genetics (formerly Invitae), Labcorp
Classification: Uncertain significance for Autosomal recessive severe congenital neutropenia due to G6PC3 deficiency. Last evaluated: 2024-02-24. Review status: criteria provided, single submitter. Criteria: Invitae Variant Classification Sherloc (09022015). Collection method: clinical testing. Allele origin: germline.
Comment: This sequence change replaces proline, which is neutral and non-polar, with histidine, which is basic and polar, at codon 303 of the G6PC3 protein (p.Pro303His). This variant is present in population databases (rs776556492, gnomAD 0.003%). This variant has not been reported in the literature in individuals affected with G6PC3-related conditions. ClinVar contains an entry for this variant (Variation ID: 851336). Advanced modeling of protein sequence and biophysical properties (such as structural, functional, and spatial information, amino acid conservation, physicochemical variation, residue mobility, and thermodynamic stability) has been performed at Invitae for this missense variant, however the output from this modeling did not meet the statistical confidence thresholds required to predict the impact of this variant on G6PC3 protein function. In summary, the available evidence is currently insufficient to determine the role of this variant in disease. Therefore, it has been classified as a Variant of Uncertain Significance.